The following is an entry in ClinVar:

NM_001322934.2(NFKB2):c.722G>A (p.Arg241Gln)

Genes: NFKB2 (nuclear factor kappa B subunit 2; plus strand), LOC121815964 (Sharpr-MPRA regulatory region 13585; plus strand). Cytogenetic location: 10q24.32.
Variant type: single nucleotide variant.
Coding change: c.722G>A on transcript NM_001322934.2 (MANE Select); coding-DNA position 722, G replaced by A.
Protein change: p.Arg241Gln; replaces arginine 241 with glutamine.
Molecular consequence: missense variant.
Genome position (GRCh38, 1-based): chr10:102,398,041, G>A. VCF-style: chr10-102398041-G-A. GRCh37 (hg19) VCF-style: chr10-104157798-G-A.
Other names: c.722G>A, p.Arg241Gln (NM_001077494.3, NM_001261403.3, NM_001288724.1 and 2 more transcripts); short protein forms R241Q.
Identifiers: ClinVar variation 1464360 (VCV001464360.9), dbSNP rs772667682, ClinGen allele CA212214972.

ClinVar aggregate classification (germline): Uncertain significance. Review status: criteria provided, multiple submitters, no conflicts (2 of 4 stars). 2 submissions from 2 submitters: Uncertain significance (2). Last evaluated 2025-02-03.

Conditions:
Immunodeficiency, common variable, 10. Also called: DEFICIT IN ANTERIOR PITUITARY FUNCTION AND VARIABLE IMMUNODEFICIENCY; IMMUNODEFICIENCY, COMMON VARIABLE, WITH CENTRAL ADRENAL INSUFFICIENCY. Identifiers: MedGen C3809991, MONDO:0014260, OMIM 615577.

Allele frequency attached by ClinVar (database versions not stated): gnomAD exomes below 0.00001 and 0.00001; gnomAD 0.00002; TOPMed 0.00002.

Submissions (2):

Labcorp Genetics (formerly Invitae), Labcorp
Classification: Uncertain significance for Immunodeficiency, common variable, 10. Last evaluated: 2025-02-03. Review status: criteria provided, single submitter. Criteria: Invitae Variant Classification Sherloc (09022015). Collection method: clinical testing. Allele origin: germline.
Comment: This sequence change replaces arginine, which is basic and polar, with glutamine, which is neutral and polar, at codon 241 of the NFKB2 protein (p.Arg241Gln). This variant is present in population databases (rs772667682, gnomAD 0.007%). This variant has not been reported in the literature in individuals affected with NFKB2-related conditions. ClinVar contains an entry for this variant (Variation ID: 1464360). An algorithm developed to predict the effect of missense changes on protein structure and function (PolyPhen-2) suggests that this variant is likely to be tolerated. In summary, the available evidence is currently insufficient to determine the role of this variant in disease. Therefore, it has been classified as a Variant of Uncertain Significance.

Blueprint Genetics
Classification: Uncertain significance. Last evaluated: 2019-04-02. Review status: criteria provided, single submitter. Criteria: ACMG Guidelines, 2015. Collection method: clinical testing. Allele origin: germline.